The following is an entry in ClinVar:

ClinVar aggregate classification (germline): Pathogenic (1 of 4 stars; one submission).

Submission:

GeneDx
Classification: Pathogenic. Last evaluated: 2024-07-26. Review status: criteria provided, single submitter. Criteria: GeneDx Variant Classification Process June 2021. Collection method: clinical testing. Allele origin: germline. Affected: yes.
Comment: Canonical splice site variant predicted to result in a null allele in a gene for which loss of function is a known mechanism of disease; Not observed at significant frequency in large population cohorts (gnomAD); Has not been previously published as pathogenic or benign to our knowledge

NM_134261.3(RORA):c.283-2A>G

Genes: RORA (RAR related orphan receptor A; minus strand), RORA-AS1 (RORA antisense RNA 1; plus strand). Cytogenetic location: 15q22.2.
Variant type: single nucleotide variant.
Coding change: c.283-2A>G on transcript NM_134261.3 (MANE Select); the canonical splice acceptor site of the intron before coding-DNA position 283, A replaced by G.
Molecular consequence: splice acceptor variant.
Genome position (GRCh38, 1-based): chr15:60,514,759, T>C on the plus strand (A>G on the coding strand, the complement: RORA is on the minus strand). VCF-style: chr15-60514759-T-C. GRCh37 (hg19) VCF-style: chr15-60806958-T-C.
Other names: c.382-2A>G (NM_134260.3); c.358-2A>G (NM_002943.4); c.118-2A>G (NM_134262.3).
Identifiers: ClinVar variation 3600692 (VCV003600692.1).